The following is an entry in ClinVar:

ClinVar aggregate classification (germline): Uncertain significance (1 of 4 stars; one submission).

Conditions:
Hereditary breast ovarian cancer syndrome. Also called: Hereditary breast and ovarian cancer syndrome (HBOC); Hereditary breast and ovarian cancer syndrome; Hereditary breast and/or ovarian cancer syndrome; Hereditary breast and ovarian cancer; Breast and ovarian cancer; BRCA1- and BRCA2-Associated Hereditary Breast and Ovarian Cancer. Identifiers: Orphanet 145, MedGen C0677776, MeSH D061325, MONDO:0003582. Disease mechanism: loss of function.

Submission:

Labcorp Genetics (formerly Invitae), Labcorp
Classification: Uncertain significance for Hereditary breast ovarian cancer syndrome. Last evaluated: 2023-04-25. Review status: criteria provided, single submitter. Criteria: Invitae Variant Classification Sherloc (09022015). Collection method: clinical testing. Allele origin: germline.
Comment: In summary, the available evidence is currently insufficient to determine the role of this variant in disease. Therefore, it has been classified as a Variant of Uncertain Significance. Advanced modeling of protein sequence and biophysical properties (such as structural, functional, and spatial information, amino acid conservation, physicochemical variation, residue mobility, and thermodynamic stability) performed at Invitae indicates that this missense variant is not expected to disrupt BRCA2 protein function. This variant has not been reported in the literature in individuals affected with BRCA2-related conditions. This variant is not present in population databases (gnomAD no frequency). This sequence change replaces arginine, which is basic and polar, with methionine, which is neutral and non-polar, at codon 8 of the BRCA2 protein (p.Arg8Met).

NM_000059.4(BRCA2):c.23G>T (p.Arg8Met)

Gene: BRCA2 (BRCA2 DNA repair associated; plus strand). Cytogenetic location: 13q13.1.
Variant type: single nucleotide variant.
Coding change: c.23G>T on transcript NM_000059.4 (MANE Select); coding-DNA position 23, G replaced by T.
Protein change: p.Arg8Met; replaces arginine 8 with methionine.
Molecular consequence: missense variant. On other transcripts: non-coding transcript variant (1), intron variant (1).
Genome position (GRCh38, 1-based): chr13:32,316,483, G>T. VCF-style: chr13-32316483-G-T. GRCh37 (hg19) VCF-style: chr13-32890620-G-T.
Other names: c.23G>T, p.Arg8Met (NM_001406719.1, NM_001406720.1, NM_001406721.1); c.-303+816G>T (NM_001406722.1); short protein forms R8M.
Identifiers: ClinVar variation 2858982 (VCV002858982.3), dbSNP rs2072261141, ClinGen allele CA387752966.
Genomic context (GRCh38, chr13:32,316,483, plus strand): 5'-CTTATTTACCAAGCATTGGAGGAATATCGTAGGTAAAAATGCCTATTGGATCCAAAGAGA[G>T]GCCAACATTTTTTGAAATTTTTAAGACACGCTGCAACAAAGCAGGTATTGACAAATTTTA-3'
Protein context (NP_000050.3, residues 1-18): MPIGSKE[Arg8Met]PTFFEIFKTR